The following is an entry in ClinVar:

NM_024675.4(PALB2):c.1685-17T>C

Gene: PALB2 (partner and localizer of BRCA2; minus strand). Cytogenetic location: 16p12.2.
Variant type: single nucleotide variant.
Coding change: c.1685-17T>C on transcript NM_024675.4 (MANE Select); 17 bases into the intron before coding-DNA position 1685, T replaced by C.
Molecular consequence: intron variant.
Genome position (GRCh38, 1-based): chr16:23,630,486, A>G on the plus strand (T>C on the coding strand, the complement: PALB2 is on the minus strand). VCF-style: chr16-23630486-A-G. GRCh37 (hg19) VCF-style: chr16-23641807-A-G.
Other names: c.800-17T>C (NM_001407308.1, NM_001407306.1, NM_001407307.1 and 5 more transcripts); c.49-1211T>C (NM_001407314.1); c.-104-17T>C (NM_001407313.1, NM_001407312.1); c.1625-17T>C (NM_001407296.1); c.1685-17T>C (NM_001407297.1, NM_001407302.1, NM_001407298.1 and 3 more transcripts).
Identifiers: ClinVar variation 3903629 (VCV003903629.1).

ClinVar aggregate classification (germline): Likely benign (1 of 4 stars; one submission).

Conditions:
Familial cancer of breast. Also called: Hereditary breast cancer; hereditary breast carcinoma; BREAST CANCER, FAMILIAL. Identifiers: Orphanet 227535, MedGen C0346153, MONDO:0016419, OMIM 114480. Disease mechanism: loss of function.

Submission:

Myriad Genetics, Inc.
Classification: Likely benign for Familial cancer of breast. Last evaluated: 2025-01-14. Review status: criteria provided, single submitter. Criteria: Myriad Autosomal Dominant, Autosomal Recessive and X-Linked Classification Criteria (2023). Collection method: clinical testing. Allele origin: unknown.
Comment: This variant is considered likely benign. This variant is intronic and is not expected to impact mRNA splicing.